The following is an entry in ClinVar:

ClinVar aggregate classification (germline): Uncertain significance (1 of 4 stars; one submission).

Conditions:
Adams-Oliver syndrome 5 (AOS5). Identifiers: Orphanet 974, MedGen C4014970, MONDO:0014459, OMIM 616028.

Allele frequency attached by ClinVar (database versions not stated): TOPMed below 0.00001.

Submission:

Labcorp Genetics (formerly Invitae), Labcorp
Classification: Uncertain significance for Adams-Oliver syndrome 5. Last evaluated: 2022-11-19. Review status: criteria provided, single submitter. Criteria: Invitae Variant Classification Sherloc (09022015). Collection method: clinical testing. Allele origin: germline.
Comment: In summary, the available evidence is currently insufficient to determine the role of this variant in disease. Therefore, it has been classified as a Variant of Uncertain Significance. Advanced modeling of protein sequence and biophysical properties (such as structural, functional, and spatial information, amino acid conservation, physicochemical variation, residue mobility, and thermodynamic stability) performed at Invitae indicates that this missense variant is not expected to disrupt NOTCH1 protein function. This variant has not been reported in the literature in individuals affected with NOTCH1-related conditions. This variant is not present in population databases (gnomAD no frequency). This sequence change replaces proline, which is neutral and non-polar, with serine, which is neutral and polar, at codon 1410 of the NOTCH1 protein (p.Pro1410Ser).

NM_017617.5(NOTCH1):c.4228C>T (p.Pro1410Ser)

Gene: NOTCH1 (notch receptor 1; minus strand). Cytogenetic location: 9q34.3.
Variant type: single nucleotide variant.
Coding change: c.4228C>T on transcript NM_017617.5 (MANE Select); coding-DNA position 4228, C replaced by T.
Protein change: p.Pro1410Ser; replaces proline 1410 with serine.
Molecular consequence: missense variant.
Genome position (GRCh38, 1-based): chr9:136,505,668, G>A on the plus strand (C>T on the coding strand, the complement: NOTCH1 is on the minus strand). VCF-style: chr9-136505668-G-A. GRCh37 (hg19) VCF-style: chr9-139400120-G-A.
Other names: short protein forms P1410S.
Identifiers: ClinVar variation 1962445 (VCV001962445.5), dbSNP rs1335014494, ClinGen allele CA375648908.